The following is an entry in ClinVar:

ClinVar aggregate classification (germline): Uncertain significance (1 of 4 stars; one submission).

Conditions:
ARHGAP31-related disorder. Also called: ARHGAP31-related condition.

Submission:

PreventionGenetics, part of Exact Sciences
Classification: Uncertain significance for ARHGAP31-related condition. Last evaluated: 2023-07-24. Review status: criteria provided, single submitter. Criteria: ACMG Guidelines, 2015. Collection method: clinical testing. Allele origin: germline.
Comment: The ARHGAP31 c.2442_2443delinsTT variant is predicted to result in an in-frame deletion and insertion. To our knowledge, this variant has not been reported in the literature or in a large population database, indicating this variant is rare. At this time, the clinical significance of this variant is uncertain due to the absence of conclusive functional and genetic evidence.

NM_020754.4(ARHGAP31):c.2442_2443delinsTT (p.Arg814_Thr815delinsSerSer)

Gene: ARHGAP31 (Rho GTPase activating protein 31; plus strand). Cytogenetic location: 3q13.33.
Variant type: Indel.
Coding change: c.2442_2443delinsTT on transcript NM_020754.4 (MANE Select); coding-DNA positions 2442 to 2443, GA replaced by TT.
Protein change: p.Arg814_Thr815delinsSerSer.
Molecular consequence: missense variant.
Genome position (GRCh38, 1-based): chr3:119,414,371-119,414,372, GA replaced by TT. VCF-style: chr3-119414371-GA-TT. GRCh37 (hg19) VCF-style: chr3-119133218-GA-TT.
Identifiers: ClinVar variation 2631617 (VCV002631617.1), dbSNP rs2472875868, ClinGen allele CA2695199265.
Genomic context (GRCh38, chr3:119,414,371, plus strand): 5'-AACTCCAGTCCTGCTTTCAAAGGGCGGCCCGGAAAGAGAAGACTCATCCAGGAAATTGAG[GA>TT]CAGATCTCTACATAGACCAGCTGAAGTCCCAAGACAGCCCTGAGATCTCTAGCCTCTGTC-3'